The following is an entry in ClinVar:

ClinVar aggregate classification (germline): Uncertain significance (1 of 4 stars; one submission).

Allele frequency attached by ClinVar (database versions not stated): TOPMed below 0.00001; gnomAD exomes 0.00001 and 0.00002; ExAC 0.00002.

Submission:

GeneDx
Classification: Uncertain significance. Last evaluated: 2014-07-24. Review status: criteria provided, single submitter. Criteria: GeneDx Variant Classification (06012015). Collection method: clinical testing. Allele origin: germline. Affected: yes.
Comment: The R284H variant has not been published as a mutation, nor has it been reported as a benign polymorphism to our knowledge.Mutations in the TUFM gene are associated with the autosomal recessive disorder combined oxidative phosphorylation deficiency 4. The R284H variant is a conservative amino acid substitution, which is not likely to impact secondary protein structure as these residues share similar properties. This substitution occurs at a position that is conserved across species. In silico analysis predicts this variant is probably damaging to the protein structure/function. Therefore, R284H was interpreted to be a variant of unknown significance. The variant is found in MITONUC-MITOP panel(s).

NM_003321.5(TUFM):c.851G>A (p.Arg284His)

Gene: TUFM (Tu translation elongation factor, mitochondrial; minus strand). Cytogenetic location: 16p11.2.
Variant type: single nucleotide variant.
Coding change: c.851G>A on transcript NM_003321.5 (MANE Select); coding-DNA position 851, G replaced by A.
Protein change: p.Arg284His; replaces arginine 284 with histidine.
Molecular consequence: missense variant. On other transcripts: intron variant (1).
Genome position (GRCh38, 1-based): chr16:28,844,301, C>T on the plus strand (G>A on the coding strand, the complement: TUFM is on the minus strand). VCF-style: chr16-28844301-C-T. GRCh37 (hg19) VCF-style: chr16-28855622-C-T.
Other names: c.838+13G>A (NM_001365360.2); short protein forms R284H.
Identifiers: ClinVar variation 215317 (VCV000215317.2), dbSNP rs779228479, ClinGen allele CA322085.
Genomic context (GRCh38, chr16:28,844,301, plus strand): 5'-GTGCGGATGTTCTTGCTATGTCCTAGGAGCTCACACTCGTCTCCCTTCTTTAAAATGCCA[C>T]GCTCTAGTGTACCTGTCACCACGGTGCCACGGCCTGGGAGGGAATAAGACAGGATATCAG-3'
Protein context (NP_003312.3, residues 274-294): RGTVVTGTLE[Arg284His]GILKKGDECE